The following is an entry in ClinVar:

NM_016169.4(SUFU):c.70C>A (p.Pro24Thr)

Genes: SUFU (SUFU negative regulator of hedgehog signaling; plus strand), LOC130004614 (ATAC-STARR-seq lymphoblastoid silent region 2764; plus strand). Cytogenetic location: 10q24.32.
Variant type: single nucleotide variant.
Coding change: c.70C>A on transcript NM_016169.4 (MANE Select); coding-DNA position 70, C replaced by A.
Protein change: p.Pro24Thr; replaces proline 24 with threonine.
Molecular consequence: missense variant.
Genome position (GRCh38, 1-based): chr10:102,504,222, C>A. VCF-style: chr10-102504222-C-A. GRCh37 (hg19) VCF-style: chr10-104263979-C-A.
Other names: c.70C>A, p.Pro24Thr (NM_001178133.2); short protein forms P24T.
Identifiers: ClinVar variation 2930271 (VCV002930271.4), dbSNP rs1219870817, ClinGen allele CA377886340.

ClinVar aggregate classification (germline): Uncertain significance. Review status: criteria provided, multiple submitters, no conflicts (2 of 4 stars). 2 submissions from 2 submitters: Uncertain significance (2). Last evaluated 2025-12-29.

Conditions:
Medulloblastoma (MDB). Also called: MEDULLOBLASTOMA PREDISPOSITION SYNDROME; Medulloblastoma, somatic. Identifiers: Orphanet 616, MedGen C0025149, MeSH D008527, MONDO:0007959, OMIM 155255, HP:0002885.
Gorlin syndrome. Also called: Nevoid Basal Cell Carcinoma Syndrome; Basal cell nevus syndrome. Identifiers: Orphanet 377, MedGen C0004779, MONDO:0007187.

Allele frequency attached by ClinVar (database versions not stated): gnomAD exomes below 0.00001.
gnomAD v4.1: 2 of 1,611,738 alleles (0.00012%); highest among the groups gnomAD compares: Admixed American, 0.0017%; no homozygotes.

Submissions (2):

Center for Genomic Medicine, Rigshospitalet, Copenhagen University Hospital
Classification: Uncertain significance. Last evaluated: 2025-12-29. Review status: criteria provided, single submitter. Criteria: ACMG Guidelines, 2015. Collection method: clinical testing. Allele origin: germline.

Labcorp Genetics (formerly Invitae), Labcorp
Classification: Uncertain significance for Gorlin syndrome; Medulloblastoma. Last evaluated: 2025-07-14. Review status: criteria provided, single submitter. Criteria: Invitae Variant Classification Sherloc (09022015). Collection method: clinical testing. Allele origin: germline.
Comment: This sequence change replaces proline, which is neutral and non-polar, with threonine, which is neutral and polar, at codon 24 of the SUFU protein (p.Pro24Thr). This variant is present in population databases (no rsID available, gnomAD 0.003%). This variant has not been reported in the literature in individuals affected with SUFU-related conditions. ClinVar contains an entry for this variant (Variation ID: 2930271). Invitae Evidence Modeling of protein sequence and biophysical properties (such as structural, functional, and spatial information, amino acid conservation, physicochemical variation, residue mobility, and thermodynamic stability) indicates that this missense variant is not expected to disrupt SUFU protein function with a negative predictive value of 80%. In summary, the available evidence is currently insufficient to determine the role of this variant in disease. Therefore, it has been classified as a Variant of Uncertain Significance.